The following is an entry in ClinVar:

NM_006610.4(MASP2):c.359A>G (p.Asp120Gly)

Gene: MASP2 (MBL associated serine protease 2; minus strand). Cytogenetic location: 1p36.22.
Variant type: single nucleotide variant.
Coding change: c.359A>G on transcript NM_006610.4 (MANE Select); coding-DNA position 359, A replaced by G.
Protein change: p.Asp120Gly; replaces aspartic acid 120 with glycine.
Molecular consequence: missense variant.
Genome position (GRCh38, 1-based): chr1:11,046,609, T>C on the plus strand (A>G on the coding strand, the complement: MASP2 is on the minus strand). VCF-style: chr1-11046609-T-C. GRCh37 (hg19) VCF-style: chr1-11106666-T-C.
Other names: c.359A>G, p.Asp120Gly (NM_139208.3); short protein forms D120G.
Identifiers: ClinVar variation 5210 (VCV000005210.17), dbSNP rs72550870, ClinGen allele CA117337.

ClinVar aggregate classification (germline): Conflicting classifications of pathogenicity. Review status: criteria provided, conflicting classifications (1 of 4 stars). 11 submissions from 11 submitters: Likely pathogenic (2); Uncertain significance (3); Benign (1); Likely benign (2). 3 of the submissions do not count toward it. Last evaluated 2026-01-26.

Conditions:
Immunodeficiency due to MASP-2 deficiency. Also called: LECTIN COMPLEMENT ACTIVATION PATHWAY, DEFECT IN, 2; MASP2 deficiency. Identifiers: Orphanet 331187, MedGen C3151085, MONDO:0013423, OMIM 613791.
MASP2-related disorder. Also called: MASP2-related condition.

Allele frequency attached by ClinVar (database versions not stated): 1000 Genomes Project 30x 0.01171; 1000 Genomes Project 0.01198; TOPMed 0.01891; gnomAD exomes 0.02140 and 0.02711; gnomAD 0.02216 and 0.02284; ExAC 0.02247.
gnomAD v4.1: 42,786 of 1,613,734 alleles (2.7%); highest among the groups gnomAD compares: Non-Finnish European, 3.1%; 701 homozygotes.

Submissions (11):

Women's Health and Genetics/Laboratory Corporation of America, LabCorp
Classification: Uncertain significance. Last evaluated: 2026-01-26. Review status: criteria provided, single submitter. Criteria: LabCorp Variant Classification Summary - May 2015. Collection method: clinical testing. Allele origin: germline.
Comment: Variant summary: MASP2 c.359A>G (p.Asp120Gly) results in a non-conservative amino acid change in the encoded protein sequence. Algorithms developed to predict the effect of missense changes on protein structure and function are either unavailable or do not agree on the potential impact of this missense change. The variant allele was found at a frequency of 0.021 in 250710 control chromosomes in the gnomAD database, including 108 homozygotes. The observed variant frequency exceeds the estimated maximal expected allele frequency for disease-causing variants in MASP2. c.359A>G has been observed in individuals affected with symptoms associated with immunodeficiency due to MASP-2 deficiency, as well as unaffected individuals (e.g., Garcia-Laorden_2020, Reis_2023, Collen_2022, Ashton_2020, Olszowski_2014, Goeldner_2014, Swierzko_2009, Stengaard-Pedersen_2003). These report(s) do not provide unequivocal conclusions about association of the variant with Immunodeficiency due to MASP-2 deficiency. Several publications report experimental evidence evaluating an impact on protein function and show a reduced capacity to activate complement through the MBL-initiated classical pathway (e.g., Stengaard-Pedersen_2003, Thiel_2009, Valles_2009). The following publications have been ascertained in the context of this evaluation (PMID: 31828694, 37588055, 35366317, 32463623, 24332888, 24632598, 19307021, 12904520, 19234189, 19775369). ClinVar contains an entry for this variant (Variation ID: 5210). Based on the evidence outlined above, the variant was classified as VUS-possibly benign.

Laboratory of Genetics, Children's Clinical University Hospital Latvia
Classification: Likely benign. Last evaluated: 2025-02-16. Review status: criteria provided, single submitter. Criteria: ACMG Guidelines, 2015. Collection method: clinical testing. Allele origin: germline. Affected: yes.

Blueprint Genetics
Classification: Likely benign. Last evaluated: 2024-11-25. Review status: criteria provided, single submitter. Criteria: ACMG Guidelines, 2015. Collection method: clinical testing. Allele origin: germline.

Department of Pathology and Laboratory Medicine, Sinai Health System
Classification: Uncertain significance for Immunodeficiency due to MASP-2 deficiency. Last evaluated: 2023-05-04. Review status: criteria provided, single submitter. Criteria: ACMG Guidelines, 2015. Collection method: research. Allele origin: germline.

Institute for Clinical Genetics, University Hospital TU Dresden, University Hospital TU Dresden
Classification: Likely pathogenic. Last evaluated: 2021-11-03. Review status: criteria provided, single submitter. Criteria: ACMG Guidelines, 2015. Collection method: clinical testing. Allele origin: germline.

Center for Genomics, Ann and Robert H. Lurie Children's Hospital of Chicago
Classification: Uncertain significance for Immunodeficiency due to MASP-2 deficiency. Last evaluated: 2021-06-15. Review status: criteria provided, single submitter. Criteria: ACMG Guidelines, 2015. Collection method: clinical testing. Allele origin: germline.
Comment: MASP2 NM_006610.3 exon 3 p.Asp120Gly (c.359A>G): This variant has been reported in the literature in multiple individuals with a broad spectrum of immunodeficiency and autoimmune phenotypes in the heterozygous and homozygous state (Stengaard-Pedersen 2003 PMID:12904520, Schafranski 2008 PMID:18295674, Swierzko 2009 PMID:19307021, Goeldner 2014 PMID:24632598, Olszowski 2014 PMID:24332888, Rodriguez-Flores 2014 PMID:24123366, Garcia Laorden 2020 PMID:31828694). However, numerous individuals with this variant have been reported to be clinically unaffected and this variant is present in 5% (536/10618) of Finnish alleles including 8 homozygotes in the Genome Aggregation Database. This variant is present in ClinVar (Variation ID:5210). Evolutionary conservation and computational predictive tools suggest that this variant may impact the protein. In vitro functional studies support that this variant will impact the protein resulting in MASP2 deficiency (Thiel 2009 PMID:19234189, Valles 2009 PMID:19775369). However, these studies may not accurately represent in vivo biological function. Overall, data on this variant supports an association to MASP2 deficiency but it is unclear whether MASP2 deficiency has a clinical impact. This uncertainty, as well as the very high minor allele frequency suggests that this variant may be more accurately classified as a risk allele vs. a mendelian disease variant.

Illumina Laboratory Services, Illumina
Classification: Likely pathogenic for Immunodeficiency due to MASP-2 deficiency. Last evaluated: 2017-10-20. Review status: criteria provided, single submitter. Criteria: ICSL Variant Classification Criteria 09 May 2019. Collection method: clinical testing. Allele origin: germline.
Comment: The MASP2 c.359A>G (p.Asp120Gly) missense variant has been reported in two studies in which it is described in a homozygous state in two individuals with recurrent infections and low serum MASP2 levels (Stengaard-Pedersen et al. 2003; Cedzynski et al. 2004). Additional family members who were heterozygous for the variant were found to have low serum MASP2 concentrations but no clinical symptoms. The p.Asp120Gly variant has also been investigated in healthy unrelated individuals from different populations. Four individuals were found to carry the p.Asp120Gly variant in a homozygous state and have MASP2 deficiency but show no clinical symptoms (GarcÃ­a-Laorden et al. 2006; Olszowski et al. 2014; Sokolowska et al. 2015). Functional studies by Stengaard-Pedersen et al. (2003) and Thiel et al. (2009) demonstrated that the p.Asp120Gly variant had a reduced capacity to activate complement through the MBL-initiated classical pathway. While the allele frequency for the p.Asp120Gly variant appears to be high at 0.0479 in the European (Finnish) population of the Exome Aggregation Consortium, studies have shown an over-representation of this variant in individuals with low levels of MASP2 as compared to controls. Many individuals who carry variants classified as pathogenic in MASP2 never experience clinical symptoms, and therefore this variant is thought to confer a mildly elevated risk for infection and inflammatory diseases. Based on the evidence, the p.Asp120Gly variant is classified as likely pathogenic for MASP2 deficiency. This variant was observed by ICSL as part of a predisposition screen in an ostensibly healthy population.

Genomic Diagnostic Laboratory, Division of Genomic Diagnostics, Children's Hospital of Philadelphia
Classification: Benign. Last evaluated: 2015-11-11. Review status: criteria provided, single submitter. Criteria: DGD Variant Analysis Guidelines. Collection method: clinical testing. Allele origin: unknown.

Clinic of Clinical Immunology with Stem Cell Bank, Expert Centre for Rare Diseases - PID, University Hospital "Alexandrovska"
Classification: Likely pathogenic for Immunodeficiency due to MASP-2 deficiency. Last evaluated: 2022-05-01. Review status: no assertion criteria provided. Collection method: clinical testing. Allele origin: germline. Affected: yes. Not counted in ClinVar's aggregate classification.

PreventionGenetics, part of Exact Sciences
Classification: Benign for MASP2-related condition. Last evaluated: 2019-09-26. Review status: no assertion criteria provided. Collection method: clinical testing. Allele origin: germline. Not counted in ClinVar's aggregate classification.
Comment: This variant is classified as benign based on ACMG/AMP sequence variant interpretation guidelines (Richards et al. 2015 PMID: 25741868, with internal and published modifications).

OMIM
Classification: Pathogenic for MASP2 DEFICIENCY. Last evaluated: 2003-08-07. Review status: no assertion criteria provided. Collection method: literature only. Allele origin: germline. Not counted in ClinVar's aggregate classification.

Literature cited by the submitters: PubMed 32463623 (cited by Women's Health and Genetics/Laboratory Corporation of America, LabCorp); PubMed 35366317 (cited by Women's Health and Genetics/Laboratory Corporation of America, LabCorp); PubMed 31828694 (cited by Women's Health and Genetics/Laboratory Corporation of America, LabCorp); PubMed 24632598 (cited by Women's Health and Genetics/Laboratory Corporation of America, LabCorp); PubMed 24332888 (cited by Women's Health and Genetics/Laboratory Corporation of America, LabCorp and Illumina Laboratory Services, Illumina); PubMed 37588055 (cited by Women's Health and Genetics/Laboratory Corporation of America, LabCorp); PubMed 12904520 (cited by 3 submitters); PubMed 19307021 (cited by Women's Health and Genetics/Laboratory Corporation of America, LabCorp and OMIM); PubMed 19234189 (cited by Women's Health and Genetics/Laboratory Corporation of America, LabCorp and Illumina Laboratory Services, Illumina); PubMed 19775369 (cited by Women's Health and Genetics/Laboratory Corporation of America, LabCorp); PubMed 15086395 (cited by Illumina Laboratory Services, Illumina); PubMed 24658431 (cited by Illumina Laboratory Services, Illumina and OMIM); PubMed 17137870 (cited by Illumina Laboratory Services, Illumina); PubMed 17252003 (cited by OMIM).